The following is an entry in ClinVar:

ClinVar aggregate classification (germline): Uncertain significance (1 of 4 stars; one submission).

Conditions:
Mitochondrial complex I deficiency, nuclear type 18. Also called: Mitochondrial complex 1 deficiency, nuclear type 18. Identifiers: MedGen C4748790, MONDO:0032623, OMIM 618240.

Submission:

Laboratorio de Genetica e Diagnostico Molecular, Hospital Israelita Albert Einstein
Classification: Uncertain significance for Mitochondrial complex I deficiency, nuclear type 18. Last evaluated: 2024-09-09. Review status: criteria provided, single submitter. Criteria: ACMG Guidelines, 2015. Collection method: clinical testing. Allele origin: germline. Affected: yes.
Comment: ACMG classification criteria: PM2 supporting

NM_199069.2(NDUFAF3):c.143C>G (p.Ser48Cys)

Gene: NDUFAF3 (NADH:ubiquinone oxidoreductase complex assembly factor 3; plus strand). Cytogenetic location: 3p21.31.
Variant type: single nucleotide variant.
Coding change: c.143C>G on transcript NM_199069.2 (MANE Select); coding-DNA position 143, C replaced by G.
Protein change: p.Ser48Cys; replaces serine 48 with cysteine.
Molecular consequence: missense variant. On other transcripts: 5 prime UTR variant (3).
Genome position (GRCh38, 1-based): chr3:49,022,411, C>G. VCF-style: chr3-49022411-C-G. GRCh37 (hg19) VCF-style: chr3-49059844-C-G.
Other names: c.-29C>G (NM_199070.2, NM_199073.2, NM_199074.2); short protein forms S48C.
Identifiers: ClinVar variation 4056643 (VCV004056643.1).